The following is an entry in ClinVar:

ClinVar aggregate classification (germline): Uncertain significance. Review status: criteria provided, multiple submitters, no conflicts (2 of 4 stars). 2 submissions from 2 submitters: Uncertain significance (2). Last evaluated 2024-04-17.

Conditions:
Dilated cardiomyopathy 1G (CMD1G). Identifiers: Orphanet 154, MedGen C1858763, MONDO:0011400, OMIM 604145.
Autosomal recessive limb-girdle muscular dystrophy type 2J (LGMDR10). Also called: MUSCULAR DYSTROPHY, LIMB-GIRDLE, AUTOSOMAL RECESSIVE 10; Limb-girdle muscular dystrophy, type 2J. Identifiers: Orphanet 140922, MedGen C1837342, MONDO:0012127, OMIM 608807.

Allele frequency attached by ClinVar (database versions not stated): gnomAD exomes below 0.00001.
gnomAD v4.1: 2 of 1,613,880 alleles (0.00012%); highest among the groups gnomAD compares: Non-Finnish European, 0.00017%; no homozygotes.

Submissions (2):

Labcorp Genetics (formerly Invitae), Labcorp
Classification: Uncertain significance for Dilated cardiomyopathy 1G; Autosomal recessive limb-girdle muscular dystrophy type 2J. Last evaluated: 2024-04-17. Review status: criteria provided, single submitter. Criteria: Invitae Variant Classification Sherloc (09022015). Collection method: clinical testing. Allele origin: germline.
Comment: This sequence change replaces glycine, which is neutral and non-polar, with aspartic acid, which is acidic and polar, at codon 34216 of the TTN protein (p.Gly34216Asp). This variant is not present in population databases (gnomAD no frequency). This variant has not been reported in the literature in individuals affected with TTN-related conditions. ClinVar contains an entry for this variant (Variation ID: 2437511). Experimental studies and prediction algorithms are not available or were not evaluated, and the functional significance of this variant is currently unknown. This variant is located in the M band of TTN (PMID: 25589632). Non-truncating variants in this region may be relevant for neuromuscular disorders, but have not been definitively shown to cause cardiomyopathy (PMID: 23975875). In summary, the available evidence is currently insufficient to determine the role of this variant in disease. Therefore, it has been classified as a Variant of Uncertain Significance.

Revvity Omics, Revvity
Classification: Uncertain significance. Last evaluated: 2021-03-14. Review status: criteria provided, single submitter. Criteria: ACMG Guidelines, 2015. Collection method: clinical testing. Allele origin: germline.

Literature cited by the submitters: PubMed 25589632 (cited by Labcorp Genetics (formerly Invitae), Labcorp); PubMed 23975875 (cited by Labcorp Genetics (formerly Invitae), Labcorp).

NM_001267550.2(TTN):c.102647G>A (p.Gly34216Asp)

Genes: TTN (titin; minus strand), TTN-AS1 (TTN antisense RNA 1; plus strand). Cytogenetic location: 2q31.2.
Variant type: single nucleotide variant.
Coding change: c.102647G>A on transcript NM_001267550.2 (MANE Select); coding-DNA position 102647, G replaced by A.
Protein change: p.Gly34216Asp; replaces glycine 34216 with aspartic acid.
Molecular consequence: missense variant.
Genome position (GRCh38, 1-based): chr2:178,533,968, C>T on the plus strand (G>A on the coding strand, the complement: TTN is on the minus strand). VCF-style: chr2-178533968-C-T. GRCh37 (hg19) VCF-style: chr2-179398695-C-T.
Other names: c.97724G>A, p.Gly32575Asp (NM_001256850.1); c.75452G>A, p.Gly25151Asp (NM_003319.4); c.94943G>A, p.Gly31648Asp (NM_133378.4); c.75827G>A, p.Gly25276Asp (NM_133432.3); c.76028G>A, p.Gly25343Asp (NM_133437.4); short protein forms G25151D, G25276D, G25343D, G31648D, G32575D, G34216D.
Identifiers: ClinVar variation 2437511 (VCV002437511.5), dbSNP rs2468515164, ClinGen allele CA349417070.
Genomic context (GRCh38, chr2:178,533,968, plus strand): 5'-TAATAGTCATAGACTTCTCTCACACCTTTAACAAATAGCTCTGCATAAGAACTGTCTTCA[C>T]CATAGTCATTGACTACTTTGCATCTGTAGGTACCATCATCTAATTTGGTAATGTCTTTGA-3'
Protein context (NP_001254479.2, residues 34206-34226): TYRCKVVNDY[Gly34216Asp]EDSSYAELFV